The following is an entry in ClinVar:

NM_012309.5(SHANK2):c.1973C>G (p.Ala658Gly)

Gene: SHANK2 (SH3 and multiple ankyrin repeat domains 2; minus strand). Cytogenetic location: 11q13.4.
Variant type: single nucleotide variant.
Coding change: c.1973C>G on transcript NM_012309.5 (MANE Select); coding-DNA position 1973, C replaced by G.
Protein change: p.Ala658Gly; replaces alanine 658 with glycine.
Molecular consequence: missense variant. On other transcripts: non-coding transcript variant (1).
Genome position (GRCh38, 1-based): chr11:70,659,916, G>C on the plus strand (C>G on the coding strand, the complement: SHANK2 is on the minus strand). VCF-style: chr11-70659916-G-C. GRCh37 (hg19) VCF-style: chr11-70506021-G-C.
Other names: c.836C>G, p.Ala279Gly (NM_001379226.1); c.209C>G, p.Ala70Gly (NM_133266.5); short protein forms A279G, A658G, A70G.
Identifiers: ClinVar variation 2642086 (VCV002642086.24), dbSNP rs782069830, ClinGen allele CA6161646.
Genomic context (GRCh38, chr11:70,659,916, plus strand): 5'-CCGGCTTGCCACGCCACCCCACCTTCATCCACGGACTCCAGGTACTGTAGGGCTGGGAAA[G>C]CCGGTGTTGGTGTGAATTCTTCAATGGGTGTGTCAGCTGGGAAGACAAGCAGCACCTGGT-3'
Protein context (NP_036441.2, residues 648-668): TPIEEFTPTP[Ala658Gly]FPALQYLESV

ClinVar aggregate classification (germline): Uncertain significance (1 of 4 stars; one submission).

Allele frequency attached by ClinVar (database versions not stated): ExAC 0.00001; gnomAD 0.00001; TOPMed 0.00003; gnomAD exomes 0.00004.
gnomAD v4.1: 60 of 1,614,090 alleles (0.0037%); highest among the groups gnomAD compares: Non-Finnish European, 0.0048%; no homozygotes.

Submission:

CeGaT Center for Human Genetics Tuebingen
Classification: Uncertain significance. Last evaluated: 2023-03-01. Review status: criteria provided, single submitter. Criteria: CeGaT Center For Human Genetics Tuebingen Variant Classification Criteria Version 2. Collection method: clinical testing. Allele origin: germline. Affected: yes. Observed: 1 variant allele.
Comment: SHANK2: PM2:Supporting